The following is an entry in ClinVar:

NM_001195263.2(PDZD7):c.720-2A>C

Gene: PDZD7 (PDZ domain containing 7; minus strand). Cytogenetic location: 10q24.31.
Variant type: single nucleotide variant.
Coding change: c.720-2A>C on transcript NM_001195263.2 (MANE Select); the canonical splice acceptor site of the intron before coding-DNA position 720, A replaced by C.
Molecular consequence: splice acceptor variant.
Genome position (GRCh38, 1-based): chr10:101,021,947, T>G on the plus strand (A>C on the coding strand, the complement: PDZD7 is on the minus strand). VCF-style: chr10-101021947-T-G. GRCh37 (hg19) VCF-style: chr10-102781704-T-G.
Other names: c.720-2A>C (NM_024895.5, NM_001351044.2).
Identifiers: ClinVar variation 3645543 (VCV003645543.2).
Genomic context (GRCh38, chr10:101,021,947, plus strand): 5'-CCAGGACCTGGTCCCCCACCTTGATGCCATTCTCCTCGGCCAGCCCACCATGGTCCACTC[T>G]GAGGCCAGACAGGCGTCAGTCTGATAGGCCCCTGGCCTGCCCTCCGTTACCCCACTCCAG-3'

ClinVar aggregate classification (germline): Likely pathogenic (1 of 4 stars; one submission).

Submission:

Labcorp Genetics (formerly Invitae), Labcorp
Classification: Likely pathogenic. Last evaluated: 2024-05-05. Review status: criteria provided, single submitter. Criteria: Invitae Variant Classification Sherloc (09022015). Collection method: clinical testing. Allele origin: germline.
Comment: This sequence change affects an acceptor splice site in intron 5 of the PDZD7 gene. It is expected to disrupt RNA splicing. Variants that disrupt the donor or acceptor splice site typically lead to a loss of protein function (PMID: 16199547), and loss-of-function variants in PDZD7 are known to be pathogenic (PMID: 20440071). This variant is not present in population databases (gnomAD no frequency). This variant has not been reported in the literature in individuals affected with PDZD7-related conditions. Algorithms developed to predict the effect of sequence changes on RNA splicing suggest that this variant may disrupt the consensus splice site. In summary, the currently available evidence indicates that the variant is pathogenic, but additional data are needed to prove that conclusively. Therefore, this variant has been classified as Likely Pathogenic.

Literature cited by the submitters: PubMed 16199547; PubMed 20440071.